The following is an entry in ClinVar:

ClinVar aggregate classification (germline): Conflicting classifications of pathogenicity. Review status: criteria provided, conflicting classifications (1 of 4 stars). 3 submissions from 3 submitters: Uncertain significance (1); Likely benign (1). 1 of the submissions does not count toward it. Last evaluated 2024-09-04.

Conditions:
TTN-related disorder. Also called: TTN-related condition; TTN-related disease; TTN-related disorders.

Allele frequency attached by ClinVar (database versions not stated): gnomAD exomes 0.00004 and 0.00021; gnomAD 0.00006 and 0.00011; TOPMed 0.00007; ExAC 0.00017; 1000 Genomes Project 30x 0.00094; 1000 Genomes Project 0.00120.
gnomAD v4.1: 91 of 1,612,844 alleles (0.0056%); highest among the groups gnomAD compares: East Asian, 0.15%; no homozygotes.

Submissions (3):

Blueprint Genetics
Classification: Likely benign. Last evaluated: 2024-09-04. Review status: criteria provided, single submitter. Criteria: ACMG Guidelines, 2015. Collection method: clinical testing. Allele origin: germline.

GeneDx
Classification: Uncertain significance. Last evaluated: 2014-07-03. Review status: criteria provided, single submitter. Criteria: GeneDx Variant Classification (06012015). Collection method: clinical testing. Allele origin: germline. Affected: yes.
Comment: Missense variants in the TTN gene are considered 'unclassified' if they are not previously reported in the literature and do not have >1% frequency in the population to be considered a polymorphism. Research indicates that truncating mutations in the TTN gene are expected to account for approximately 25% of familial and 18% of sporadic idiopathic DCM; however, truncating variants in the TTN gene have been reported in approximately 3% of reported control alleles. There has been little investigation into non-truncating variants. (Herman D et al. Truncations of titin causing dilated cardiomyopathy. N Eng J Med 366:619-628, 2012) The variant is found in CARDIOMYOPATHY panel(s).

PreventionGenetics, part of Exact Sciences
Classification: Likely benign for TTN-related condition. Last evaluated: 2023-06-08. Review status: no assertion criteria provided. Collection method: clinical testing. Allele origin: germline. Not counted in ClinVar's aggregate classification.
Comment: This variant is classified as likely benign based on ACMG/AMP sequence variant interpretation guidelines (Richards et al. 2015 PMID: 25741868, with internal and published modifications).

NM_133379.5(TTN):c.11278T>C (p.Tyr3760His)

Gene: TTN (titin; minus strand). Cytogenetic location: 2q31.2.
Variant type: single nucleotide variant.
Coding change: c.11278T>C on transcript NM_133379.5; coding-DNA position 11278, T replaced by C.
Protein change: p.Tyr3760His; replaces tyrosine 3760 with histidine.
Molecular consequence: missense variant. On other transcripts: intron variant (6).
Genome position (GRCh38, 1-based): chr2:178,751,122, A>G on the plus strand (T>C on the coding strand, the complement: TTN is on the minus strand). VCF-style: chr2-178751122-A-G. GRCh37 (hg19) VCF-style: chr2-179615849-A-G.
Other names: p.Y3760H:TAT>CAT; c.10222+2002T>C (NM_003319.4); c.10798+2002T>C (NM_133437.4); c.10597+2002T>C (NM_133432.3); c.10360+2002T>C (NM_133378.4, NM_001256850.1); c.11311+2002T>C (NM_001267550.2); c.11278T>C (NM_133379.4); short protein forms Y3760H.
Identifiers: ClinVar variation 203185 (VCV000203185.5), dbSNP rs377740664, ClinGen allele CA311616.